The following is an entry in ClinVar:

ClinVar aggregate classification (germline): Conflicting classifications of pathogenicity. Review status: criteria provided, conflicting classifications (1 of 4 stars). 5 submissions from 5 submitters: Uncertain significance (1); Benign (1); Likely benign (3). Last evaluated 2026-01-25.

Conditions:
Ehlers-Danlos syndrome, classic type, 1 (EDSCL1). Also called: EHLERS-DANLOS SYNDROME, GRAVIS TYPE; EHLERS-DANLOS SYNDROME, SEVERE CLASSIC TYPE; Ehlers-Danlos syndrome, type 1; Ehlers-Danlos Syndrome, Classic Type, COL5A1-Related; EDS I. Identifiers: MedGen C0268335, MONDO:0019567, OMIM 130000.
Familial thoracic aortic aneurysm and aortic dissection (TAAD). Also called: Thoracic aortic aneurysms and dissections. Identifiers: Orphanet 91387, MedGen C4707243, MONDO:0019625.

Allele frequency attached by ClinVar (database versions not stated): gnomAD 0.00002 and 0.00003; gnomAD exomes 0.00002 and 0.00006; TOPMed 0.00002; ExAC 0.00006; ESP Exome Variant Server 0.00008; 1000 Genomes Project 30x 0.00016; 1000 Genomes Project 0.00020.
gnomAD v4.1: 41 of 1,613,966 alleles (0.0025%); highest among the groups gnomAD compares: Admixed American, 0.027%; no homozygotes.

Submissions (5):

Labcorp Genetics (formerly Invitae), Labcorp
Classification: Benign for Ehlers-Danlos syndrome, classic type, 1. Last evaluated: 2026-01-25. Review status: criteria provided, single submitter. Criteria: Invitae Variant Classification Sherloc (09022015). Collection method: clinical testing. Allele origin: germline.

Ambry Genetics
Classification: Likely benign for Familial thoracic aortic aneurysm and aortic dissection. Last evaluated: 2025-09-09. Review status: criteria provided, single submitter. Criteria: Ambry Variant Classification Scheme 2023. Collection method: clinical testing. Allele origin: germline.

GeneDx
Classification: Uncertain significance. Last evaluated: 2025-01-31. Review status: criteria provided, single submitter. Criteria: GeneDx Variant Classification Process June 2021. Collection method: clinical testing. Allele origin: germline. Affected: yes.
Comment: In silico analysis indicates that this missense variant does not alter protein structure/function; Has not been previously published as pathogenic or benign to our knowledge

Women's Health and Genetics/Laboratory Corporation of America, LabCorp
Classification: Likely benign. Last evaluated: 2024-11-26. Review status: criteria provided, single submitter. Criteria: LabCorp Variant Classification Summary - May 2015. Collection method: clinical testing. Allele origin: germline.
Comment: Variant summary: COL5A2 c.3170C>A (p.Thr1057Asn) results in a non-conservative amino acid change in the encoded protein sequence. Four of five in-silico tools predict a damaging effect of the variant on protein function. The variant allele was found at a frequency of 5.6e-05 in 251374 control chromosomes. The observed variant frequency is approximately 8.91 fold of the estimated maximal expected allele frequency for a pathogenic variant in COL5A2 causing Ehlers-Danlos Syndrome phenotype (6.3e-06). To our knowledge, no occurrence of c.3170C>A in individuals affected with Ehlers-Danlos Syndrome and no experimental evidence demonstrating its impact on protein function have been reported. The following publication has been ascertained in the context of this evaluation (PMID: 33082984). ClinVar contains an entry for this variant (Variation ID: 213154). Based on the evidence outlined above, the variant was classified as likely benign.

Blueprint Genetics
Classification: Likely benign. Last evaluated: 2024-09-18. Review status: criteria provided, single submitter. Criteria: ACMG Guidelines, 2015. Collection method: clinical testing. Allele origin: germline.

Literature cited by the submitters: PubMed 33082984 (cited by Women's Health and Genetics/Laboratory Corporation of America, LabCorp).

NM_000393.5(COL5A2):c.3170C>A (p.Thr1057Asn)

Gene: COL5A2 (collagen type V alpha 2 chain; minus strand). Cytogenetic location: 2q32.2.
Variant type: single nucleotide variant.
Coding change: c.3170C>A on transcript NM_000393.5 (MANE Select); coding-DNA position 3170, C replaced by A.
Protein change: p.Thr1057Asn; replaces threonine 1057 with asparagine.
Molecular consequence: missense variant.
Genome position (GRCh38, 1-based): chr2:189,048,240, G>T on the plus strand (C>A on the coding strand, the complement: COL5A2 is on the minus strand). VCF-style: chr2-189048240-G-T. GRCh37 (hg19) VCF-style: chr2-189912966-G-T.
Other names: p.T1057N:ACC>AAC; short protein forms T1057N.
Identifiers: ClinVar variation 213154 (VCV000213154.17), dbSNP rs201186702, ClinGen allele CA322578.